The following is an entry in ClinVar:

NM_018180.3(DHX32):c.388G>C (p.Val130Leu)

Gene: DHX32 (DEAH-box helicase 32 (putative); minus strand). Cytogenetic location: 10q26.2.
Variant type: single nucleotide variant.
Coding change: c.388G>C on transcript NM_018180.3 (MANE Select); coding-DNA position 388, G replaced by C.
Protein change: p.Val130Leu; replaces valine 130 with leucine.
Molecular consequence: missense variant.
Genome position (GRCh38, 1-based): chr10:125,867,078, C>G on the plus strand (G>C on the coding strand, the complement: DHX32 is on the minus strand). VCF-style: chr10-125867078-C-G. GRCh37 (hg19) VCF-style: chr10-127555647-C-G.
Other names: short protein forms V130L.
Identifiers: ClinVar variation 2214577 (VCV002214577.5), dbSNP rs150128200, ClinGen allele CA5739465.

ClinVar aggregate classification (germline): Uncertain significance. Review status: criteria provided, multiple submitters, no conflicts (2 of 4 stars). 2 submissions from 2 submitters: Uncertain significance (2). Last evaluated 2025-08-26.

Allele frequency attached by ClinVar (database versions not stated): ExAC 0.00005; TOPMed 0.00005; gnomAD 0.00006; ESP Exome Variant Server 0.00015.
gnomAD v4.1: 255 of 1,614,118 alleles (0.016%); highest among the groups gnomAD compares: Non-Finnish European, 0.021%; no homozygotes.

Submissions (2):

Ambry Genetics
Classification: Uncertain significance. Last evaluated: 2025-08-26. Review status: criteria provided, single submitter. Criteria: Ambry Variant Classification Scheme 2023. Collection method: clinical testing. Allele origin: germline.

Labcorp Genetics (formerly Invitae), Labcorp
Classification: Uncertain significance. Last evaluated: 2024-12-12. Review status: criteria provided, single submitter. Criteria: Invitae Variant Classification Sherloc (09022015). Collection method: clinical testing. Allele origin: germline.
Comment: This sequence change replaces valine, which is neutral and non-polar, with leucine, which is neutral and non-polar, at codon 130 of the DHX32 protein (p.Val130Leu). This variant is present in population databases (rs150128200, gnomAD 0.007%). This variant has not been reported in the literature in individuals affected with DHX32-related conditions. ClinVar contains an entry for this variant (Variation ID: 2214577). An algorithm developed to predict the effect of missense changes on protein structure and function (PolyPhen-2) suggests that this variant is likely to be disruptive. In summary, the available evidence is currently insufficient to determine the role of this variant in disease. Therefore, it has been classified as a Variant of Uncertain Significance.